The following is an entry in ClinVar:

NM_003823.4(TNFRSF6B):c.319G>A (p.Ala107Thr)

Genes: RTEL1-TNFRSF6B (RTEL1-TNFRSF6B readthrough (NMD candidate); plus strand), TNFRSF6B (TNF receptor superfamily member 6b; plus strand). Cytogenetic location: 20q13.33.
Variant type: single nucleotide variant.
Coding change: c.319G>A on transcript NM_003823.4 (MANE Select); coding-DNA position 319, G replaced by A.
Protein change: p.Ala107Thr; replaces alanine 107 with threonine.
Molecular consequence: missense variant. On other transcripts: non-coding transcript variant (1).
Genome position (GRCh38, 1-based): chr20:63,697,086, G>A. VCF-style: chr20-63697086-G-A. GRCh37 (hg19) VCF-style: chr20-62328439-G-A.
Other names: short protein forms A107T.
Identifiers: ClinVar variation 2965901 (VCV002965901.3), dbSNP rs1270477668, ClinGen allele CA409711193.

ClinVar aggregate classification (germline): Uncertain significance (1 of 4 stars; one submission).

Allele frequency attached by ClinVar (database versions not stated): gnomAD 0.00001; gnomAD exomes 0.00001.

Submission:

Labcorp Genetics (formerly Invitae), Labcorp
Classification: Uncertain significance. Last evaluated: 2023-01-06. Review status: criteria provided, single submitter. Criteria: Invitae Variant Classification Sherloc (09022015). Collection method: clinical testing. Allele origin: germline.
Comment: This sequence change replaces alanine, which is neutral and non-polar, with threonine, which is neutral and polar, at codon 107 of the TNFRSF6B protein (p.Ala107Thr). The frequency data for this variant in the population databases is considered unreliable, as metrics indicate poor data quality at this position in the gnomAD database. In summary, the available evidence is currently insufficient to determine the role of this variant in disease. Therefore, it has been classified as a Variant of Uncertain Significance. Algorithms developed to predict the effect of missense changes on protein structure and function output the following: SIFT: "Deleterious"; PolyPhen-2: "Benign"; Align-GVGD: "Class C0". The threonine amino acid residue is found in multiple mammalian species, which suggests that this missense change does not adversely affect protein function. This variant has not been reported in the literature in individuals affected with TNFRSF6B-related conditions.